The following is an entry in ClinVar:

NM_006734.4(HIVEP2):c.3575A>C (p.His1192Pro)

Gene: HIVEP2 (HIVEP zinc finger 2; minus strand). Cytogenetic location: 6q24.2.
Variant type: single nucleotide variant.
Coding change: c.3575A>C on transcript NM_006734.4 (MANE Select); coding-DNA position 3575, A replaced by C.
Protein change: p.His1192Pro; replaces histidine 1192 with proline.
Molecular consequence: missense variant.
Genome position (GRCh38, 1-based): chr6:142,771,164, T>G on the plus strand (A>C on the coding strand, the complement: HIVEP2 is on the minus strand). VCF-style: chr6-142771164-T-G. GRCh37 (hg19) VCF-style: chr6-143092301-T-G.
Other names: c.3575A>C (NM_006734.3); short protein forms H1192P.
Identifiers: ClinVar variation 2413716 (VCV002413716.15), dbSNP rs748363147, ClinGen allele CA4028220.

ClinVar aggregate classification (germline): Likely benign. Review status: criteria provided, multiple submitters, no conflicts (2 of 4 stars). 3 submissions from 3 submitters: Likely benign (3). Last evaluated 2026-04-01.

Conditions:
Inborn genetic diseases. Identifiers: MedGen C0950123, MeSH D030342.

Allele frequency attached by ClinVar (database versions not stated): ExAC 0.00002; TOPMed 0.00006; gnomAD 0.00007; gnomAD exomes 0.00011.
gnomAD v4.1: 178 of 1,614,078 alleles (0.011%); highest among the groups gnomAD compares: Non-Finnish European, 0.014%; no homozygotes.

Submissions (3):

CeGaT Center for Human Genetics Tuebingen
Classification: Likely benign. Last evaluated: 2026-04-01. Review status: criteria provided, single submitter. Criteria: CeGaT Center For Human Genetics Tuebingen Variant Classification Criteria Version 2. Collection method: clinical testing. Allele origin: germline. Affected: yes. Observed: 2 variant alleles.
Comment: HIVEP2: BP4, BS2

Labcorp Genetics (formerly Invitae), Labcorp
Classification: Likely benign. Last evaluated: 2024-02-14. Review status: criteria provided, single submitter. Criteria: Invitae Variant Classification Sherloc (09022015). Collection method: clinical testing. Allele origin: germline.

Ambry Genetics
Classification: Likely benign for Inborn genetic diseases. Last evaluated: 2021-12-06. Review status: criteria provided, single submitter. Criteria: Ambry Variant Classification Scheme 2023. Collection method: clinical testing. Allele origin: germline.